The following is an entry in ClinVar:

NM_000551.4(VHL):c.160A>T (p.Met54Leu)

Gene: VHL (von Hippel-Lindau tumor suppressor; plus strand). Cytogenetic location: 3p25.3.
Variant type: single nucleotide variant.
Coding change: c.160A>T on transcript NM_000551.4 (MANE Select); coding-DNA position 160, A replaced by T.
Protein change: p.Met54Leu; replaces methionine 54 with leucine.
Molecular consequence: missense variant.
Genome position (GRCh38, 1-based): chr3:10,142,007, A>T. VCF-style: chr3-10142007-A-T. GRCh37 (hg19) VCF-style: chr3-10183691-A-T.
Other names: c.160A>T, p.Met54Leu (NM_001354723.2, NM_198156.3); short protein forms M54L.
Identifiers: ClinVar variation 843990 (VCV000843990.13), dbSNP rs1696125033, ClinGen allele CA351748458.

ClinVar aggregate classification (germline): Conflicting classifications of pathogenicity. Review status: criteria provided, conflicting classifications (1 of 4 stars). 2 submissions from 2 submitters: Likely pathogenic (1); Uncertain significance (1). Last evaluated 2026-05-11.

Conditions:
Chuvash polycythemia. Also called: POLYCYTHEMIA, VHL-DEPENDENT. Identifiers: Orphanet 238557, MedGen C1837915, MONDO:0009892, OMIM 263400.
Von Hippel-Lindau syndrome (VHLS). Also called: Von Hippel-Lindau; von Hippel–Lindau syndrome; VHL syndrome. Identifiers: Orphanet 892, MedGen C0019562, MONDO:0008667, OMIM 193300. Disease mechanism: loss of function.
Hereditary cancer-predisposing syndrome. Also called: Tumor predisposition; Neoplastic Syndromes, Hereditary; Hereditary neoplastic syndrome; Hereditary Cancer Syndrome. Identifiers: Orphanet 140162, MedGen C0027672, MeSH D009386, MONDO:0015356.

gnomAD v4.1: 2 of 1,587,026 alleles (0.00013%); highest among the groups gnomAD compares: Non-Finnish European, 0.00017%; no homozygotes.

Submissions (2):

Ambry Genetics
Classification: Uncertain significance for Hereditary cancer-predisposing syndrome. Last evaluated: 2026-05-11. Review status: criteria provided, single submitter. Criteria: Ambry Variant Classification Scheme 2023. Collection method: clinical testing. Allele origin: germline.
Comment: The p.M54L variant (also known as c.160A>T), located in coding exon 1 of the VHL gene, results from an A to T substitution at nucleotide position 160. The methionine at codon 54 is replaced by leucine, an amino acid with highly similar properties. Another alteration at the same codon, c.162G>C p.(Met54Ile), has been identified in the homozygous state in Moroccan patients presenting with erythrocytosis and pulmonary arterial hypertension, but no VHL-associated tumors (Bartels M et al. Hum Mutat, 2015 Nov;36:1039-42; Caravita S et al. J Heart Lung Transplant, 2016 Sep;35:1138-9). Functional studies have demonstrated that disruption of p.M54 results in loss of expression of the VHLp19 isoform but does not affect expression of the VHLp30 isoform. Additional studies have demonstrated differing nuclear localization of the isoforms, and study authors have concluded this could suggest different roles for the two isoforms. Based on these studies, the disruption of p.M54 is likely linked to erythrocytosis phenotypes but not VHL-associated tumors (Lee S et al. Proc Natl Acad Sci U S A, 1996 Mar;93:1770-5; Schoenfeld A et al. Proc Natl Acad Sci U S A, 1998 Jul;95:8817-22; Bartels M et al. Hum Mutat, 2015 Nov;36:1039-42). This amino acid position is well conserved in available vertebrate species. In addition, this alteration is predicted to be tolerated by in silico analysis. Based on the available evidence, the clinical significance of this variant remains unclear.

Labcorp Genetics (formerly Invitae), Labcorp
Classification: Likely pathogenic for Von Hippel-Lindau syndrome; Chuvash polycythemia. Last evaluated: 2025-02-03. Review status: criteria provided, single submitter. Criteria: Invitae Variant Classification Sherloc (09022015). Collection method: clinical testing. Allele origin: germline.
Comment: This sequence change affects the initiator methionine of the VHL mRNA at codon 54 (Met54), which is responsible for translation initiation of the VHLp19 functional isoform. However, the initiator methionine at codon 1 (Met1) responsible for translation initiation of the VHLp30 functional isoform is preserved. This variant is not present in population databases (gnomAD no frequency). Disruption of the initiator Met54 codon (p.Met54Ile) has been observed to be homozygous in individuals of Moroccan origin who were affected with erythrocytosis and pulmonary arterial hypertension, and reported to segregate with erythrocytosis in a family (PMID: 26224408, 27578599). However, individuals observed to be heterozygous did not present von Hippel-Lindau (VHL) associated clinical features (PMID: 26224408), suggesting that its association with VHL is currently unclear. ClinVar contains an entry for this variant (Variation ID: 843990). Invitae Evidence Modeling of protein sequence and biophysical properties (such as structural, functional, and spatial information, amino acid conservation, physicochemical variation, residue mobility, and thermodynamic stability) has been performed for this missense variant. However, the output from this modeling did not meet the statistical confidence thresholds required to predict the impact of this variant on VHL protein function. Experimental studies using patient's cells have shown that disruption of Met54 (p.Met54Ile) affects VHLp19 expression, but does not affect VHLp30 expression (PMID: 26224408). In summary, the currently available evidence indicates that the variant is pathogenic, but additional data are needed to prove that conclusively. Therefore, this variant has been classified as Likely Pathogenic.

Literature cited by the submitters: PubMed 26224408 (cited by Ambry Genetics and Labcorp Genetics (formerly Invitae), Labcorp); PubMed 27578599 (cited by Ambry Genetics and Labcorp Genetics (formerly Invitae), Labcorp); PubMed 38969834 (cited by Ambry Genetics); PubMed 8700833 (cited by Ambry Genetics); PubMed 9671762 (cited by Ambry Genetics).